The following is an entry in ClinVar:

ClinVar aggregate classification (germline): Uncertain significance (1 of 4 stars; one submission).

Conditions:
Early Myoclonic Encephalopathy. Identifiers: MedGen C0270855.

Allele frequency attached by ClinVar (database versions not stated): TOPMed 0.00001.
gnomAD v4.1: 1 of 1,614,028 alleles (0.000062%); highest among the groups gnomAD compares: African/African-American, 0.0013%; no homozygotes.

Submission:

Labcorp Genetics (formerly Invitae), Labcorp
Classification: Uncertain significance for Early Myoclonic Encephalopathy. Last evaluated: 2024-04-08. Review status: criteria provided, single submitter. Criteria: Invitae Variant Classification Sherloc (09022015). Collection method: clinical testing. Allele origin: germline.
Comment: This sequence change replaces proline, which is neutral and non-polar, with threonine, which is neutral and polar, at codon 801 of the JMJD1C protein (p.Pro801Thr). This variant is present in population databases (rs771784124, gnomAD 0.007%). This variant has not been reported in the literature in individuals affected with JMJD1C-related conditions. ClinVar contains an entry for this variant (Variation ID: 1003783). Advanced modeling of protein sequence and biophysical properties (such as structural, functional, and spatial information, amino acid conservation, physicochemical variation, residue mobility, and thermodynamic stability) performed at Invitae indicates that this missense variant is expected to disrupt JMJD1C protein function with a positive predictive value of 80%. In summary, the available evidence is currently insufficient to determine the role of this variant in disease. Therefore, it has been classified as a Variant of Uncertain Significance.

NM_032776.3(JMJD1C):c.2401C>A (p.Pro801Thr)

Gene: JMJD1C (jumonji domain containing 1C; minus strand). Cytogenetic location: 10q21.3.
Variant type: single nucleotide variant.
Coding change: c.2401C>A on transcript NM_032776.3 (MANE Select); coding-DNA position 2401, C replaced by A.
Protein change: p.Pro801Thr; replaces proline 801 with threonine.
Molecular consequence: missense variant. On other transcripts: non-coding transcript variant (1).
Genome position (GRCh38, 1-based): chr10:63,213,766, G>T on the plus strand (C>A on the coding strand, the complement: JMJD1C is on the minus strand). VCF-style: chr10-63213766-G-T. GRCh37 (hg19) VCF-style: chr10-64973526-G-T.
Other names: c.1855C>A, p.Pro619Thr (NM_001282948.2, NM_001318154.2); c.1537C>A, p.Pro513Thr (NM_001318153.2); c.2287C>A, p.Pro763Thr (NM_001322252.2); c.1744C>A, p.Pro582Thr (NM_001322254.2, NM_001322258.2); short protein forms P513T, P582T, P619T, P763T, P801T.
Identifiers: ClinVar variation 1003783 (VCV001003783.8), dbSNP rs771784124, ClinGen allele CA5518636.